The following is an entry in ClinVar:

NM_000135.4(FANCA):c.3181A>G (p.Ser1061Gly)

Gene: FANCA (FA complementation group A; minus strand). Cytogenetic location: 16q24.3.
Variant type: single nucleotide variant.
Coding change: c.3181A>G on transcript NM_000135.4 (MANE Select); coding-DNA position 3181, A replaced by G.
Protein change: p.Ser1061Gly; replaces serine 1061 with glycine.
Molecular consequence: missense variant.
Genome position (GRCh38, 1-based): chr16:89,749,788, T>C on the plus strand (A>G on the coding strand, the complement: FANCA is on the minus strand). VCF-style: chr16-89749788-T-C. GRCh37 (hg19) VCF-style: chr16-89816196-T-C.
Other names: c.3181A>G, p.Ser1061Gly (NM_001286167.3); c.3181A>G (LRG_495t1, NM_000135.3); short protein forms S1061G.
Identifiers: ClinVar variation 408187 (VCV000408187.17), dbSNP rs369878171, ClinGen allele CA8251309.
Genomic context (GRCh38, chr16:89,749,788, plus strand): 5'-ACCGTTTGTACATTAGCAGCTCCCTCTGTCTCTGAAGGCTGGCAGCCACGCTCCACCCGC[T>C]TGTCAGAGCCTGGAGCCGTCTGCGGAAAATCTCAAAGAGGAAGTGCTCCTGGGAAGGGGT-3'
Protein context (NP_000126.2, residues 1051-1071): IFRRRLQALT[Ser1061Gly]GWSVAASLQR

ClinVar aggregate classification (germline): Uncertain significance. Review status: criteria provided, multiple submitters, no conflicts (2 of 4 stars). 7 submissions from 7 submitters: Uncertain significance (6). 1 of the submissions does not count toward it. Last evaluated 2025-10-17.

Conditions:
Fanconi anemia (FA). Also called: Fanconi's anemia. Identifiers: Orphanet 84, MedGen C0015625, MeSH D005199, MONDO:0019391.
Fanconi anemia complementation group A (FANCA). Also called: Fanconi anemia, group A; FANCA-Related Fanconi Anemia. Identifiers: Orphanet 84, MedGen C3469521, MONDO:0009215, OMIM 227650.

Allele frequency attached by ClinVar (database versions not stated): gnomAD exomes 0.00001; ExAC 0.00002; gnomAD 0.00002; TOPMed 0.00002.
gnomAD v4.1: 27 of 1,614,132 alleles (0.0017%); highest among the groups gnomAD compares: East Asian, 0.024%; no homozygotes.

Submissions (7):

Quest Diagnostics Nichols Institute San Juan Capistrano
Classification: Uncertain significance. Last evaluated: 2025-10-17. Review status: criteria provided, single submitter. Criteria: Quest Diagnostics criteria. Collection method: clinical testing. Allele origin: unknown.
Comment: The FANCA c.3181A>G (p.Ser1061Gly) variant has been reported in individuals with lung cancer (PMID: 32107087 (2020)), and in individuals with non-cancerous findings such as leukocytopenia/thrombocytopenia (PMID: 31030435 (2019)) and serous cystadenoma (PMID: 28767289 (2017)). The frequency of this variant in the general population (Genome Aggregation Database) is uninformative in the assessment of its pathogenicity. Analysis of this variant using bioinformatics tools for the prediction of the effect of amino acid changes on protein structure and function yielded predictions that this variant is benign. Based on the available information, we are unable to determine the clinical significance of this variant.

Fulgent Genetics
Classification: Uncertain significance for Fanconi anemia complementation group A. Last evaluated: 2024-02-06. Review status: criteria provided, single submitter. Criteria: ACMG Guidelines, 2015. Collection method: clinical testing. Allele origin: germline.

Labcorp Genetics (formerly Invitae), Labcorp
Classification: Uncertain significance for Fanconi anemia. Last evaluated: 2024-01-09. Review status: criteria provided, single submitter. Criteria: Invitae Variant Classification Sherloc (09022015). Collection method: clinical testing. Allele origin: germline.
Comment: This sequence change replaces serine, which is neutral and polar, with glycine, which is neutral and non-polar, at codon 1061 of the FANCA protein (p.Ser1061Gly). This variant is present in population databases (rs369878171, gnomAD 0.01%). This variant has not been reported in the literature in individuals affected with FANCA-related conditions. ClinVar contains an entry for this variant (Variation ID: 408187). Advanced modeling of protein sequence and biophysical properties (such as structural, functional, and spatial information, amino acid conservation, physicochemical variation, residue mobility, and thermodynamic stability) performed at Invitae indicates that this missense variant is not expected to disrupt FANCA protein function with a negative predictive value of 80%. In summary, the available evidence is currently insufficient to determine the role of this variant in disease. Therefore, it has been classified as a Variant of Uncertain Significance.

Blueprint Genetics
Classification: Uncertain significance. Last evaluated: 2023-12-22. Review status: criteria provided, single submitter. Criteria: ACMG Guidelines, 2015. Collection method: clinical testing. Allele origin: germline.

Sema4
Classification: Uncertain significance for Fanconi anemia. Last evaluated: 2021-09-07. Review status: criteria provided, single submitter. Criteria: Sema4 Curation Guidelines. Collection method: curation. Allele origin: germline.
Comment: The FANCA c.3181A>G (p.S1061G) variant has been reported as compound heterozygous in at least one individual with refractory leukocytopenia and thrombocytopenia, but this variant is identified in cis with c.3788_3790del (pathogenic) and in trans with heterozygous deletion of exons 11 to 14 of the FANCA (PMID: 31030435). The co-occurrence with other pathogenic variants provides supporting evidence for a benign role. This variant was observed in 2/18390 chromosomes in the East Asian population according to the Genome Aggregation Database (PMID: 32461654). This variant has been reported in ClinVar (Variation ID: 408187). Functional studies have not been performed, and in silico predictions of the variant's effect on protein function are inconclusive. The evidence is insufficient to meet ACMG/AMP criteria for classifying the variant as benign or pathogenic. Thus, the clinical significance of this variant is currently uncertain.

Genetic Services Laboratory, University of Chicago
Classification: Uncertain significance. Last evaluated: 2019-04-26. Review status: criteria provided, single submitter. Criteria: ACMG Guidelines, 2015. Collection method: clinical testing. Allele origin: germline. Affected: no.

Natera, Inc.
Classification: Uncertain significance for Fanconi anemia, group A. Last evaluated: 2020-09-16. Review status: no assertion criteria provided. Collection method: clinical testing. Allele origin: germline. Not counted in ClinVar's aggregate classification.

Literature cited by the submitters: PubMed 31030435 (cited by Quest Diagnostics Nichols Institute San Juan Capistrano and Sema4); PubMed 32107087 (cited by Quest Diagnostics Nichols Institute San Juan Capistrano); PubMed 28767289 (cited by Quest Diagnostics Nichols Institute San Juan Capistrano).